The following is an entry in ClinVar:

NM_001130009.3(GEN1):c.85G>A (p.Val29Ile)

Gene: GEN1 (GEN1 structure-specific endonuclease; plus strand). Cytogenetic location: 2p24.2.
Variant type: single nucleotide variant.
Coding change: c.85G>A on transcript NM_001130009.3 (MANE Select); coding-DNA position 85, G replaced by A.
Protein change: p.Val29Ile; replaces valine 29 with isoleucine.
Molecular consequence: missense variant.
Genome position (GRCh38, 1-based): chr2:17,760,028, G>A. VCF-style: chr2-17760028-G-A. GRCh37 (hg19) VCF-style: chr2-17941295-G-A.
Other names: c.85G>A, p.Val29Ile (NM_182625.5); short protein forms V29I.
Identifiers: ClinVar variation 2375061 (VCV002375061.7), dbSNP rs181124955, ClinGen allele CA1540302.

ClinVar aggregate classification (germline): Uncertain significance. Review status: criteria provided, multiple submitters, no conflicts (2 of 4 stars). 2 submissions from 2 submitters: Uncertain significance (2). Last evaluated 2025-09-26.

Allele frequency attached by ClinVar (database versions not stated): gnomAD exomes below 0.00001; ExAC 0.00001; gnomAD 0.00001; TOPMed 0.00001; 1000 Genomes Project 30x 0.00016; 1000 Genomes Project 0.00020.
gnomAD v4.1: 4 of 1,614,114 alleles (0.00025%); highest among the groups gnomAD compares: Admixed American, 0.0067%; no homozygotes.

Submissions (2):

Ambry Genetics
Classification: Uncertain significance. Last evaluated: 2025-09-26. Review status: criteria provided, single submitter. Criteria: Ambry Variant Classification Scheme 2023. Collection method: clinical testing. Allele origin: germline.

Labcorp Genetics (formerly Invitae), Labcorp
Classification: Uncertain significance. Last evaluated: 2024-06-03. Review status: criteria provided, single submitter. Criteria: Invitae Variant Classification Sherloc (09022015). Collection method: clinical testing. Allele origin: germline.
Comment: This sequence change replaces valine, which is neutral and non-polar, with isoleucine, which is neutral and non-polar, at codon 29 of the GEN1 protein (p.Val29Ile). This variant is present in population databases (rs181124955, gnomAD 0.006%). This variant has not been reported in the literature in individuals affected with GEN1-related conditions. ClinVar contains an entry for this variant (Variation ID: 2375061). An algorithm developed to predict the effect of missense changes on protein structure and function (PolyPhen-2) suggests that this variant is likely to be disruptive. In summary, the available evidence is currently insufficient to determine the role of this variant in disease. Therefore, it has been classified as a Variant of Uncertain Significance.